The following is an entry in ClinVar:

NM_183075.3(CYP2U1):c.1042G>T (p.Asp348Tyr)

Gene: CYP2U1 (cytochrome P450 family 2 subfamily U member 1; plus strand). Cytogenetic location: 4q25.
Variant type: single nucleotide variant.
Coding change: c.1042G>T on transcript NM_183075.3 (MANE Select); coding-DNA position 1042, G replaced by T.
Protein change: p.Asp348Tyr; replaces aspartic acid 348 with tyrosine.
Molecular consequence: missense variant.
Genome position (GRCh38, 1-based): chr4:107,945,521, G>T. VCF-style: chr4-107945521-G-T. GRCh37 (hg19) VCF-style: chr4-108866677-G-T.
Other names: short protein forms D348Y.
Identifiers: ClinVar variation 3775252 (VCV003775252.1).

ClinVar aggregate classification (germline): Uncertain significance (1 of 4 stars; one submission).

Conditions:
Hereditary spastic paraplegia 56. Also called: Spastic paraplegia 56, autosomal recessive; SPASTIC PARAPLEGIA 56, AUTOSOMAL RECESSIVE, WITH OR WITHOUT PSEUDOXANTHOMA ELASTICUM; Spastic Paraplegia 56. Identifiers: Orphanet 320411, MedGen C3539507, MONDO:0014015, OMIM 615030.

Submission:

3billion
Classification: Uncertain significance for Hereditary spastic paraplegia 56. Last evaluated: 2023-07-26. Review status: criteria provided, single submitter. Criteria: ACMG Guidelines, 2015. Collection method: clinical testing. Allele origin: germline. Affected: yes.
Comment: The variant is not observed in the gnomAD v2.1.1 dataset. Predicted Consequence/Location: Missense variant In silico tool predictions suggest the damaging effect of the variant on the gene or gene product (REVEL: 0.71; 3Cnet: 0.22). Therefore, this variant is classified as VUS according to the recommendation of ACMG/AMP guideline.